The following is an entry in ClinVar:

NM_025179.4(PLXNA2):c.747dup (p.Gly250fs)

Gene: PLXNA2 (plexin A2; minus strand). Cytogenetic location: 1q32.2.
Variant type: Duplication.
Coding change: c.747dup on transcript NM_025179.4 (MANE Select); coding-DNA position 747, one base duplicated (T; older notation c.747dupT).
Protein change: p.Gly250fs; shifts the reading frame from glycine 250.
Molecular consequence: frameshift variant.
Genome position (GRCh38, 1-based): chr1:208,217,176, A duplicated on the plus strand (T on the coding strand, the reverse complement: PLXNA2 is on the minus strand). VCF-style (leftmost placement, unchanged base first): chr1-208217175-C-CA. GRCh37 (hg19) VCF-style: chr1-208390520-C-CA.
Other names: short protein forms G250fs.
Identifiers: ClinVar variation 4988151 (VCV004988151.1).
Genomic context (GRCh38, chr1:208,217,175, plus strand): 5'-AGTTGATGGCCACACCCTCAGGGGTCTCGGGCTGGACAGTGAGAAAGTAGACAAAGCCCC[C>CA]ACTAGCAAAGCCGTAGATGTAGAAGATGTCAAAGTGGGAGACCAGGGCCAGGGTGTCTGA-3'

ClinVar aggregate classification (germline): Uncertain significance (1 of 4 stars; one submission).

Conditions:
PLXNA2-related disorder. Also called: PLXNA2-related condition.

Submission:

PreventionGenetics, part of Exact Sciences
Classification: Uncertain significance for PLXNA2-related condition. Last evaluated: 2024-12-17. Review status: criteria provided, single submitter. Criteria: ACMG Guidelines, 2015. Collection method: clinical testing. Allele origin: germline.
Comment: The PLXNA2 c.747dupT variant is predicted to result in a frameshift and premature protein termination (p.Gly250Trpfs*15). To our knowledge, this variant has not been reported in the literature. This variant is reported in 0.0018% of alleles in individuals of European (non-Finnish) descent in gnomAD. Loss of function has not been established as a mechanism of PLXNA2-related disease. At this time, the clinical significance of this variant is uncertain due to the absence of conclusive functional and genetic evidence.